The following is an entry in ClinVar:

NM_001042492.3(NF1):c.1722C>G (p.Ser574Arg)

Gene: NF1 (neurofibromin 1; plus strand). Cytogenetic location: 17q11.2.
Variant type: single nucleotide variant.
Coding change: c.1722C>G on transcript NM_001042492.3 (MANE Select); coding-DNA position 1722, C replaced by G.
Protein change: p.Ser574Arg; replaces serine 574 with arginine.
Molecular consequence: missense variant.
Genome position (GRCh38, 1-based): chr17:31,223,444, C>G. VCF-style: chr17-31223444-C-G. GRCh37 (hg19) VCF-style: chr17-29550462-C-G.
Other names: c.1722C>G, p.Ser574Arg (NM_000267.4); short protein forms S574R.
Identifiers: ClinVar variation 1509582 (VCV001509582.9), dbSNP rs2144015494, ClinGen allele CA399003947.

ClinVar aggregate classification (germline): Conflicting classifications of pathogenicity. Review status: criteria provided, conflicting classifications (1 of 4 stars). 3 submissions from 3 submitters: Pathogenic (1); Uncertain significance (2). Last evaluated 2022-12-12.

Conditions:
Hereditary cancer-predisposing syndrome. Also called: Neoplastic Syndromes, Hereditary; Hereditary Cancer Syndrome; Tumor predisposition; Hereditary neoplastic syndrome. Identifiers: Orphanet 140162, MedGen C0027672, MeSH D009386, MONDO:0015356.
Cardiovascular phenotype. Identifiers: MedGen CN230736.
Neurofibromatosis, type 1 (NF1). Also called: Neurofibromatosis, type I; Peripheral type neurofibromatosis; VON RECKLINGHAUSEN DISEASE; NEUROFIBROMATOSIS, TYPE I, SOMATIC. Identifiers: Orphanet 636, MedGen C0027831, MONDO:0018975, OMIM 162200. Disease mechanism: loss of function.

Submissions (3):

Institute for Genomic Medicine (IGM) Clinical Laboratory, Nationwide Children's Hospital
Classification: Uncertain significance for Neurofibromatosis, type 1. Last evaluated: 2022-12-12. Review status: criteria provided, single submitter. Criteria: ACMG Guidelines, 2015. Collection method: clinical testing. Allele origin: germline.
Comment: This variant has been reported at an elevated frequency in affected individuals/in multiple affected individuals in the literature (ACMG/AMP: PS4_Supporting; PMIDs:36157301, 31766501). This variant is absent from or present at an exceedingly low frequency in gnomAD, a large-scale control population database (ACMG/AMP: PM2). This variant occurs in a gene with a low rate of benign missense variation, in which missense alterations are a common mechanism of disease (ACMG/AMP: PP2).

Ambry Genetics
Classification: Pathogenic for Cardiovascular phenotype; Hereditary cancer-predisposing syndrome. Last evaluated: 2022-11-30. Review status: criteria provided, single submitter. Criteria: Ambry Variant Classification Scheme 2023. Collection method: clinical testing. Allele origin: germline.
Comment: The c.1722C>G (p.S574R) alteration is located in exon 16 (coding exon 16) of the NF1 gene. This alteration results from a C to G substitution at nucleotide position 1722, causing the serine (S) at amino acid position 574 to be replaced by an arginine (R). This variant was not reported in population-based cohorts in the Genome Aggregation Database (gnomAD). This variant has been detected in individuals with a clinical diagnosis or suspicion of neurofibromatosis type 1 (NF1) (Bianchessi, 2015; Melloni, 2019). In addition, c.1722C>A resulting in the same amino acid substitution has been identified in a patient who met diagnostic criteria for NF1 (Mattocks, 2004). This amino acid position is highly conserved in available vertebrate species. This alteration is predicted to be deleterious by in silico analysis. Based on the available evidence, this alteration is classified as pathogenic.

Labcorp Genetics (formerly Invitae), Labcorp
Classification: Uncertain significance for Neurofibromatosis, type 1. Last evaluated: 2021-12-24. Review status: criteria provided, single submitter. Criteria: Invitae Variant Classification Sherloc (09022015). Collection method: clinical testing. Allele origin: germline.
Comment: This sequence change replaces serine, which is neutral and polar, with arginine, which is basic and polar, at codon 574 of the NF1 protein (p.Ser574Arg). This variant is not present in population databases (gnomAD no frequency). In summary, the available evidence is currently insufficient to determine the role of this variant in disease. Therefore, it has been classified as a Variant of Uncertain Significance. Algorithms developed to predict the effect of sequence changes on RNA splicing suggest that this variant may create or strengthen a splice site. Algorithms developed to predict the effect of missense changes on protein structure and function (SIFT, PolyPhen-2, Align-GVGD) all suggest that this variant is likely to be tolerated. This missense change has been observed in individual(s) with neurofibromatosis type 1 (PMID: 26740943).

Literature cited by the submitters: PubMed 36157301 (cited by Institute for Genomic Medicine (IGM) Clinical Laboratory, Nationwide Children's Hospital); PubMed 31766501 (cited by Institute for Genomic Medicine (IGM) Clinical Laboratory, Nationwide Children's Hospital); PubMed 26740943 (cited by Labcorp Genetics (formerly Invitae), Labcorp).